The following is an entry in ClinVar:

ClinVar aggregate classification (germline): Uncertain significance. Review status: criteria provided, multiple submitters, no conflicts (2 of 4 stars). 2 submissions from 2 submitters: Uncertain significance (2). Last evaluated 2026-08-31.

Conditions:
Inborn genetic diseases. Identifiers: MedGen C0950123, MeSH D030342.

Allele frequency attached by ClinVar (database versions not stated): gnomAD 0.00001; TOPMed 0.00003.

Submissions (2):

Ambry Genetics
Classification: Uncertain significance for Inborn genetic diseases. Last evaluated: 2026-08-31. Review status: criteria provided, single submitter. Criteria: Ambry Variant Classification Scheme 2023. Collection method: clinical testing. Allele origin: germline.

Labcorp Genetics (formerly Invitae), Labcorp
Classification: Uncertain significance. Last evaluated: 2026-01-05. Review status: criteria provided, single submitter. Criteria: Invitae Variant Classification Sherloc (09022015). Collection method: clinical testing. Allele origin: germline.
Comment: This sequence change replaces threonine, which is neutral and polar, with methionine, which is neutral and non-polar, at codon 3472 of the ASPM protein (p.Thr3472Met). This variant is present in population databases (no rsID available, gnomAD 0.003%). This variant has not been reported in the literature in individuals affected with ASPM-related conditions. ClinVar contains an entry for this variant (Variation ID: 2980673). An algorithm developed to predict the effect of missense changes on protein structure and function (PolyPhen-2) suggests that this variant is likely to be disruptive. In summary, the available evidence is currently insufficient to determine the role of this variant in disease. Therefore, it has been classified as a Variant of Uncertain Significance.

NM_018136.5(ASPM):c.10415C>T (p.Thr3472Met)

Gene: ASPM (assembly factor for spindle microtubules; minus strand). Cytogenetic location: 1q31.3.
Variant type: single nucleotide variant.
Coding change: c.10415C>T on transcript NM_018136.5 (MANE Select); coding-DNA position 10415, C replaced by T.
Protein change: p.Thr3472Met; replaces threonine 3472 with methionine.
Molecular consequence: missense variant.
Genome position (GRCh38, 1-based): chr1:197,084,343, G>A on the plus strand (C>T on the coding strand, the complement: ASPM is on the minus strand). VCF-style: chr1-197084343-G-A. GRCh37 (hg19) VCF-style: chr1-197053473-G-A.
Other names: c.5660C>T, p.Thr1887Met (NM_001206846.2); c.10415C>T (NM_018136.4); short protein forms T1887M, T3472M.
Identifiers: ClinVar variation 2980673 (VCV002980673.4), dbSNP rs1331602460, ClinGen allele CA343994186.